The following is an entry in ClinVar:

ClinVar aggregate classification (germline): Conflicting classifications of pathogenicity. Review status: criteria provided, conflicting classifications (1 of 4 stars). 2 submissions from 2 submitters: Uncertain significance (1); Likely benign (1). Last evaluated 2025-01-13.

Conditions:
PAX7-related disorder. Also called: PAX7-related condition.

gnomAD v4.1: 254 of 1,608,424 alleles (0.016%); highest among the groups gnomAD compares: African/African-American, 0.29%; no homozygotes.

Submissions (2):

PreventionGenetics, part of Exact Sciences
Classification: Likely benign for PAX7-related condition. Last evaluated: 2025-01-13. Review status: criteria provided, single submitter. Criteria: ACMG Guidelines, 2015. Collection method: clinical testing. Allele origin: germline.
Comment: This variant is classified as likely benign based on ACMG/AMP sequence variant interpretation guidelines (Richards et al. 2015 PMID: 25741868, with internal and published modifications).

Dasa
Classification: Uncertain significance. Last evaluated: 2024-10-28. Review status: criteria provided, single submitter. Criteria: DASA Assertion Criteria. Collection method: clinical testing. Allele origin: germline.
Comment: NM_002584.3(PAX7):c.1524G>A (p.Met508Ile) is a missense variant that results in the substitution of methionine with isoleucine. This variant is rare in population databases. Computational prediction algorithms are consistent with a benign effect. The currently available literature and clinical evidence are not sufficient to establish a definitive association between this variant and the reported condition. Therefore, this variant is classified as a variant of uncertain significance.

NM_001135254.2(PAX7):c.1402+122G>A

Gene: PAX7 (paired box 7; plus strand). Cytogenetic location: 1p36.13.
Variant type: single nucleotide variant.
Coding change: c.1402+122G>A on transcript NM_001135254.2 (MANE Select); 122 bases into the intron after coding-DNA position 1402, G replaced by A.
Molecular consequence: intron variant. On other transcripts: missense variant (2).
Genome position (GRCh38, 1-based): chr1:18,736,000, G>A. VCF-style: chr1-18736000-G-A. GRCh37 (hg19) VCF-style: chr1-19062494-G-A.
Other names: c.1524G>A (NM_002584.2); c.1524G>A, p.Met508Ile (NM_002584.3); c.1518G>A, p.Met506Ile (NM_013945.3); short protein forms M506I, M508I.
Identifiers: ClinVar variation 4885237 (VCV004885237.3).